The following is an entry in ClinVar:

NM_000551.4(VHL):c.340+673C>G

Genes: VHL (von Hippel-Lindau tumor suppressor; plus strand), LOC107303340 (3p25 von Hippel-Lindau tumor suppressor, E3 ubiquitin protein ligase Alu-mediated recombination region; plus strand). Cytogenetic location: 3p25.3.
Variant type: single nucleotide variant.
Coding change: c.340+673C>G on transcript NM_000551.4 (MANE Select); 673 bases into the intron after coding-DNA position 340, C replaced by G.
Molecular consequence: intron variant. On other transcripts: missense variant (1).
Genome position (GRCh38, 1-based): chr3:10,142,860, C>G. VCF-style: chr3-10142860-C-G. GRCh37 (hg19) VCF-style: chr3-10184544-C-G.
Other names: c.438C>G, p.Ser146Arg (NM_001354723.2); c.340+673C>G (NM_198156.3); short protein forms S146R.
Identifiers: ClinVar variation 2175644 (VCV002175644.4), dbSNP rs1696160389, ClinGen allele CA2580068429.

ClinVar aggregate classification (germline): Uncertain significance (1 of 4 stars; one submission).

Conditions:
Chuvash polycythemia. Also called: POLYCYTHEMIA, VHL-DEPENDENT. Identifiers: Orphanet 238557, MedGen C1837915, MONDO:0009892, OMIM 263400.
Von Hippel-Lindau syndrome (VHLS). Also called: VHL syndrome; von Hippel–Lindau syndrome; Von Hippel-Lindau. Identifiers: Orphanet 892, MedGen C0019562, MONDO:0008667, OMIM 193300. Disease mechanism: loss of function.

Submission:

Labcorp Genetics (formerly Invitae), Labcorp
Classification: Uncertain significance for Von Hippel-Lindau syndrome; Chuvash polycythemia. Last evaluated: 2022-01-06. Review status: criteria provided, single submitter. Criteria: Invitae Variant Classification Sherloc (09022015). Collection method: clinical testing. Allele origin: germline.
Comment: This sequence change falls in intron 1 of the VHL gene. It is not expected to change the encoded amino acid sequence of the VHL protein. However, this sequence change falls within a cryptic exon in the VHL gene, known as exon E1’, which is naturally expressed at low levels in several human tissues (PMID: 29891534). This variant is not present in population databases (gnomAD no frequency). This variant has not been reported in the literature in individuals affected with VHL-related conditions. Experimental studies and prediction algorithms are not available or were not evaluated, and the functional significance of this variant is currently unknown. In summary, the available evidence is currently insufficient to determine the role of this variant in disease. Therefore, it has been classified as a Variant of Uncertain Significance.

Literature cited by the submitters: PubMed 29891534.